The following is an entry in ClinVar:

NM_001128840.3(CACNA1D):c.2713G>A (p.Ala905Thr)

Gene: CACNA1D (calcium voltage-gated channel subunit alpha1 D; plus strand). Cytogenetic location: 3p21.1.
Variant type: single nucleotide variant.
Coding change: c.2713G>A on transcript NM_001128840.3 (MANE Select); coding-DNA position 2713, G replaced by A.
Protein change: p.Ala905Thr; replaces alanine 905 with threonine.
Molecular consequence: missense variant.
Genome position (GRCh38, 1-based): chr3:53,735,465, G>A. VCF-style: chr3-53735465-G-A. GRCh37 (hg19) VCF-style: chr3-53769492-G-A.
Other names: c.2773G>A, p.Ala925Thr (NM_000720.4); c.2713G>A, p.Ala905Thr (NM_001128839.3); short protein forms A925T, A905T.
Identifiers: ClinVar variation 4752596 (VCV004752596.1).

ClinVar aggregate classification (germline): Uncertain significance (1 of 4 stars; one submission).

gnomAD v4.1: 11 of 1,613,740 alleles (0.00068%); highest among the groups gnomAD compares: African/African-American, 0.0013%; no homozygotes.

Submission:

Labcorp Genetics (formerly Invitae), Labcorp
Classification: Uncertain significance. Last evaluated: 2025-06-02. Review status: criteria provided, single submitter. Criteria: Invitae Variant Classification Sherloc (09022015). Collection method: clinical testing. Allele origin: germline.
Comment: This sequence change replaces alanine, which is neutral and non-polar, with threonine, which is neutral and polar, at codon 925 of the CACNA1D protein (p.Ala925Thr). This variant is present in population databases (rs764701041, gnomAD 0.004%). This variant has not been reported in the literature in individuals affected with CACNA1D-related conditions. Invitae Evidence Modeling of protein sequence and biophysical properties (such as structural, functional, and spatial information, amino acid conservation, physicochemical variation, residue mobility, and thermodynamic stability) indicates that this missense variant is not expected to disrupt CACNA1D protein function with a negative predictive value of 80%. In summary, the available evidence is currently insufficient to determine the role of this variant in disease. Therefore, it has been classified as a Variant of Uncertain Significance.